The following is an entry in ClinVar:

ClinVar aggregate classification (germline): Pathogenic (1 of 4 stars; one submission).

Submission:

Labcorp Genetics (formerly Invitae), Labcorp
Classification: Pathogenic. Last evaluated: 2023-02-13. Review status: criteria provided, single submitter. Criteria: Invitae Variant Classification Sherloc (09022015). Collection method: clinical testing. Allele origin: germline.
Comment: For these reasons, this variant has been classified as Pathogenic. This variant has not been reported in the literature in individuals affected with DONSON-related conditions. This variant is not present in population databases (gnomAD no frequency). This sequence change creates a premature translational stop signal (p.Ser418*) in the DONSON gene. It is expected to result in an absent or disrupted protein product. Loss-of-function variants in DONSON are known to be pathogenic (PMID: 28191891, 28630177).

Literature cited by the submitters: PubMed 28191891; PubMed 28630177.

NM_017613.4(DONSON):c.1253_1254del (p.Asn417_Ser418insTer)

Gene: DONSON (DNA replication fork stabilization factor DONSON; minus strand). Cytogenetic location: 21q22.11.
Variant type: Microsatellite.
Coding change: c.1253_1254del on transcript NM_017613.4 (MANE Select); coding-DNA positions 1253 to 1254, 2 bases deleted (CT; older notation c.1253_1254delCT).
Protein change: p.Asn417_Ser418insTer.
Molecular consequence: nonsense.
Genome position (GRCh38, 1-based): chr21:33,581,398-33,581,399, AG deleted on the plus strand (CT on the coding strand, the reverse complement: DONSON is on the minus strand); deleting any 2 consecutive bases within chr21:33,581,398-33,581,401 gives the same sequence; the c. name uses the placement nearest the transcript's 3' end. VCF-style (leftmost placement, unchanged base first): chr21-33581397-TAG-T. GRCh37 (hg19) VCF-style: chr21-34953703-TAG-T.
Identifiers: ClinVar variation 2801729 (VCV002801729.2), dbSNP rs1468284861, ClinGen allele CA748833524.
Genomic context (GRCh38, chr21:33,581,397, plus strand): 5'-CAGGGGACAAGAGGGTTGGAGGAAGTCCTGCCTGTGGACCTGAGGTAGCAACTAAACTCT[TAG>T]AGTTAATCAAAAAATTGAGCAATGTAAAGGTGTTGATTCCTTTTACCAACACAACAGATT-3'